The following is an entry in ClinVar:

ClinVar aggregate classification (germline): Likely benign. Review status: criteria provided, multiple submitters, no conflicts (2 of 4 stars). 5 submissions from 5 submitters: Likely benign (4). 1 of the submissions does not count toward it. Last evaluated 2026-01-15.

Conditions:
ESPN-related disorder. Also called: ESPN-related condition.

Allele frequency attached by ClinVar (database versions not stated): ExAC 0.00004; gnomAD exomes 0.00004; TOPMed 0.00005; gnomAD 0.00006; ESP Exome Variant Server 0.00008.
gnomAD v4.1: 71 of 1,614,082 alleles (0.0044%); highest among the groups gnomAD compares: Non-Finnish European, 0.0055%; no homozygotes.

Submissions (5):

Labcorp Genetics (formerly Invitae), Labcorp
Classification: Likely benign. Last evaluated: 2026-01-15. Review status: criteria provided, single submitter. Criteria: Invitae Variant Classification Sherloc (09022015). Collection method: clinical testing. Allele origin: germline.

Blueprint Genetics
Classification: Likely benign. Last evaluated: 2024-11-19. Review status: criteria provided, single submitter. Criteria: ACMG Guidelines, 2015. Collection method: clinical testing. Allele origin: germline.

CeGaT Center for Human Genetics Tuebingen
Classification: Likely benign. Last evaluated: 2024-06-01. Review status: criteria provided, single submitter. Criteria: CeGaT Center For Human Genetics Tuebingen Variant Classification Criteria Version 2. Collection method: clinical testing. Allele origin: germline. Affected: yes. Observed: 1 variant allele.
Comment: ESPN: BP4, BP7

Laboratory for Molecular Medicine, Mass General Brigham Personalized Medicine
Classification: Likely benign. Last evaluated: 2016-02-04. Review status: criteria provided, single submitter. Criteria: LMM Criteria. Collection method: clinical testing. Allele origin: germline. Observed: 1 variant allele.
Comment: p.Thr360Thr in exon 6 of ESPN: This variant is not expected to have clinical sig nificance because it does not alter an amino acid residue and is not located wit hin the splice consensus sequence. It has been identified in 5/66702 of European chromosomes by the Exome Aggregation Consortium (ExAC;dbSNP rs373242735).

PreventionGenetics, part of Exact Sciences
Classification: Likely benign for ESPN-related condition. Last evaluated: 2023-12-15. Review status: no assertion criteria provided. Collection method: clinical testing. Allele origin: germline. Not counted in ClinVar's aggregate classification.
Comment: This variant is classified as likely benign based on ACMG/AMP sequence variant interpretation guidelines (Richards et al. 2015 PMID: 25741868, with internal and published modifications).

NM_031475.3(ESPN):c.1080G>A (p.Thr360=)

Gene: ESPN (espin; plus strand). Cytogenetic location: 1p36.31.
Variant type: single nucleotide variant.
Coding change: c.1080G>A on transcript NM_031475.3 (MANE Select); coding-DNA position 1080, G replaced by A.
Protein change: p.Thr360=; no amino-acid change (threonine 360 retained).
Molecular consequence: synonymous variant.
Genome position (GRCh38, 1-based): chr1:6,444,570, G>A. VCF-style: chr1-6444570-G-A. GRCh37 (hg19) VCF-style: chr1-6504630-G-A.
Other names: c.1080G>A, p.Thr360= (NM_001367473.1, NM_001367474.1).
Identifiers: ClinVar variation 227357 (VCV000227357.28), dbSNP rs373242735, ClinGen allele CA560102.